The following is an entry in ClinVar:

NM_006269.2(RP1):c.1882G>A (p.Glu628Lys)

Gene: RP1 (RP1 axonemal microtubule associated; plus strand). Cytogenetic location: 8q12.1.
Variant type: single nucleotide variant.
Coding change: c.1882G>A on transcript NM_006269.2 (MANE Select); coding-DNA position 1882, G replaced by A.
Protein change: p.Glu628Lys; replaces glutamic acid 628 with lysine.
Molecular consequence: missense variant. On other transcripts: intron variant (1).
Genome position (GRCh38, 1-based): chr8:54,625,764, G>A. VCF-style: chr8-54625764-G-A. GRCh37 (hg19) VCF-style: chr8-55538324-G-A.
Other names: c.787+3476G>A (NM_001375654.1); short protein forms E628K.
Identifiers: ClinVar variation 4980262 (VCV004980262.1).

ClinVar aggregate classification (germline): Uncertain significance (1 of 4 stars; one submission).

Conditions:
RP1-related disorder. Also called: RP1-related condition.

gnomAD v4.1: 1 of 1,613,640 alleles (0.000062%); no homozygotes.

Submission:

PreventionGenetics, part of Exact Sciences
Classification: Uncertain significance for RP1-related condition. Last evaluated: 2026-05-21. Review status: criteria provided, single submitter. Criteria: ACMG Guidelines, 2015. Collection method: clinical testing. Allele origin: germline.
Comment: The RP1 c.1882G>A variant is predicted to result in the amino acid substitution p.Glu628Lys. To our knowledge, this variant has not been reported in the literature. This variant is absent in a large population database (gnomAD), indicating this variant is rare. At this time, the clinical significance of this variant is uncertain due to the absence of conclusive functional and genetic evidence.